The following is an entry in ClinVar:

NM_015909.4(NBAS):c.2417C>T (p.Ala806Val)

Gene: NBAS (NBAS subunit of NRZ tethering complex; minus strand). Cytogenetic location: 2p24.3.
Variant type: single nucleotide variant.
Coding change: c.2417C>T on transcript NM_015909.4 (MANE Select); coding-DNA position 2417, C replaced by T.
Protein change: p.Ala806Val; replaces alanine 806 with valine.
Molecular consequence: missense variant. On other transcripts: non-coding transcript variant (1).
Genome position (GRCh38, 1-based): chr2:15,427,717, G>A on the plus strand (C>T on the coding strand, the complement: NBAS is on the minus strand). VCF-style: chr2-15427717-G-A. GRCh37 (hg19) VCF-style: chr2-15567841-G-A.
Other names: short protein forms A806V.
Identifiers: ClinVar variation 2650690 (VCV002650690.24), dbSNP rs2529078585, ClinGen allele CA345891278.

ClinVar aggregate classification (germline): Uncertain significance (1 of 4 stars; one submission).

Allele frequency attached by ClinVar (database versions not stated): gnomAD exomes below 0.00001.
gnomAD v4.1: 2 of 1,611,260 alleles (0.00012%); highest among the groups gnomAD compares: Non-Finnish European, 0.00017%; no homozygotes.

Submission:

CeGaT Center for Human Genetics Tuebingen
Classification: Uncertain significance. Last evaluated: 2022-03-01. Review status: criteria provided, single submitter. Criteria: CeGaT Center For Human Genetics Tuebingen Variant Classification Criteria Version 2. Collection method: clinical testing. Allele origin: germline. Affected: yes. Observed: 1 variant allele.
Comment: NBAS: PM2, BP4